The following is an entry in ClinVar:

ClinVar aggregate classification (germline): Uncertain significance. Review status: criteria provided, multiple submitters, no conflicts (2 of 4 stars). 2 submissions from 2 submitters: Uncertain significance (2). Last evaluated 2025-08-19.

Conditions:
Inborn genetic diseases. Identifiers: MedGen C0950123, MeSH D030342.

Allele frequency attached by ClinVar (database versions not stated): TOPMed 0.00004; gnomAD 0.00005 and 0.00006; ESP Exome Variant Server 0.00015; ExAC 0.00018.

Submissions (2):

Ambry Genetics
Classification: Uncertain significance for Inborn genetic diseases. Last evaluated: 2025-08-19. Review status: criteria provided, single submitter. Criteria: Ambry Variant Classification Scheme 2023. Collection method: clinical testing. Allele origin: germline.

Labcorp Genetics (formerly Invitae), Labcorp
Classification: Uncertain significance. Last evaluated: 2021-12-02. Review status: criteria provided, single submitter. Criteria: Invitae Variant Classification Sherloc (09022015). Collection method: clinical testing. Allele origin: germline.
Comment: This sequence change replaces arginine, which is basic and polar, with cysteine, which is neutral and slightly polar, at codon 307 of the LETM1 protein (p.Arg307Cys). This variant is present in population databases (rs144099418, gnomAD 0.02%). This variant has not been reported in the literature in individuals affected with LETM1-related conditions. Algorithms developed to predict the effect of missense changes on protein structure and function are either unavailable or do not agree on the potential impact of this missense change (SIFT: "Deleterious"; PolyPhen-2: "Benign"; Align-GVGD: "Class C15"). In summary, the available evidence is currently insufficient to determine the role of this variant in disease. Therefore, it has been classified as a Variant of Uncertain Significance.

NM_012318.3(LETM1):c.919C>T (p.Arg307Cys)

Gene: LETM1 (leucine zipper and EF-hand containing transmembrane protein 1; minus strand). Cytogenetic location: 4p16.3.
Variant type: single nucleotide variant.
Coding change: c.919C>T on transcript NM_012318.3 (MANE Select); coding-DNA position 919, C replaced by T.
Protein change: p.Arg307Cys; replaces arginine 307 with cysteine.
Molecular consequence: missense variant.
Genome position (GRCh38, 1-based): chr4:1,832,905, G>A on the plus strand (C>T on the coding strand, the complement: LETM1 is on the minus strand). VCF-style: chr4-1832905-G-A. GRCh37 (hg19) VCF-style: chr4-1834632-G-A.
Other names: c.919C>T (NM_012318.2); short protein forms R307C.
Identifiers: ClinVar variation 1398031 (VCV001398031.6), dbSNP rs144099418, ClinGen allele CA2811466.